The following is an entry in ClinVar:

NM_019066.5(MAGEL2):c.3730A>C (p.Ser1244Arg)

Gene: MAGEL2 (MAGE family member L2; minus strand). Cytogenetic location: 15q11.2.
Variant type: single nucleotide variant.
Coding change: c.3730A>C on transcript NM_019066.5 (MANE Select); coding-DNA position 3730, A replaced by C.
Protein change: p.Ser1244Arg; replaces serine 1244 with arginine.
Molecular consequence: missense variant.
Genome position (GRCh38, 1-based): chr15:23,644,013, T>G on the plus strand (A>C on the coding strand, the complement: MAGEL2 is on the minus strand). VCF-style: chr15-23644013-T-G. GRCh37 (hg19) VCF-style: chr15-23889160-T-G.
Other names: short protein forms S1244R.
Identifiers: ClinVar variation 4527373 (VCV004527373.2).

ClinVar aggregate classification (germline): Uncertain significance (1 of 4 stars; one submission).

gnomAD v4.1: 2 of 1,601,754 alleles (0.00012%); highest among the groups gnomAD compares: Non-Finnish European, 0.00017%; no homozygotes.

Submission:

GeneDx
Classification: Uncertain significance. Last evaluated: 2026-05-04. Review status: criteria provided, single submitter. Criteria: GeneDx Variant Classification Process June 2021. Collection method: clinical testing. Allele origin: germline.
Comment: Not observed at significant frequency in large population cohorts (gnomAD); Has not been previously published as pathogenic or benign to our knowledge; In silico analysis does not support a benign or deleterious effect of this variant on protein structure/function